The following is an entry in ClinVar:

NM_000179.3(MSH6):c.1728T>C (p.Asp576=)

Gene: MSH6 (mutS homolog 6; plus strand). Cytogenetic location: 2p16.3.
Variant type: single nucleotide variant.
Coding change: c.1728T>C on transcript NM_000179.3 (MANE Select); coding-DNA position 1728, T replaced by C.
Protein change: p.Asp576=; no amino-acid change (aspartic acid 576 retained).
Molecular consequence: synonymous variant.
Genome position (GRCh38, 1-based): chr2:47,799,711, T>C. VCF-style: chr2-47799711-T-C. GRCh37 (hg19) VCF-style: chr2-48026850-T-C.
Other names: c.1338T>C, p.Asp446= (NM_001281492.2); c.822T>C, p.Asp274= (NM_001281493.2, NM_001281494.2).
Identifiers: ClinVar variation 1154731 (VCV001154731.12), dbSNP rs2104363664, ClinGen allele CA426121007.

ClinVar aggregate classification (germline): Conflicting classifications of pathogenicity. Review status: criteria provided, conflicting classifications (1 of 4 stars). 3 submissions from 3 submitters: Uncertain significance (1); Likely benign (2). Last evaluated 2024-10-07.

Conditions:
Hereditary cancer-predisposing syndrome. Also called: Hereditary neoplastic syndrome; Hereditary Cancer Syndrome; Tumor predisposition; Neoplastic Syndromes, Hereditary. Identifiers: Orphanet 140162, MedGen C0027672, MeSH D009386, MONDO:0015356.
Hereditary nonpolyposis colorectal neoplasms. Identifiers: MedGen C0009405, MeSH D003123.

gnomAD v4.1: 1 of 1,614,208 alleles (0.000062%); no homozygotes.

Submissions (3):

Labcorp Genetics (formerly Invitae), Labcorp
Classification: Likely benign for Hereditary nonpolyposis colorectal neoplasms. Last evaluated: 2024-10-07. Review status: criteria provided, single submitter. Criteria: Invitae Variant Classification Sherloc (09022015). Collection method: clinical testing. Allele origin: germline.

Quest Diagnostics Nichols Institute San Juan Capistrano
Classification: Uncertain significance. Last evaluated: 2023-12-15. Review status: criteria provided, single submitter. Criteria: Quest Diagnostics criteria. Collection method: clinical testing. Allele origin: unknown.
Comment: The MSH6 c.1728T>C (p.Asp576=) synonymous variant has not been reported in individuals with MSH6-related conditions in the published literature. It also has not been reported in large, multi-ethnic general populations (Genome Aggregation Database). Analysis of this variant using software algorithms for the prediction of the effect of nucleotide changes on splicing yielded predictions that this variant does not affect MSH6 mRNA splicing. Based on the available information, we are unable to determine the clinical significance of this variant.

Color Diagnostics, LLC DBA Color Health
Classification: Likely benign for Hereditary cancer-predisposing syndrome. Last evaluated: 2020-12-11. Review status: criteria provided, single submitter. Criteria: ACMG Guidelines, 2015. Collection method: clinical testing. Allele origin: germline.